The following is an entry in ClinVar:

NM_025099.6(CTC1):c.450C>G (p.Asp150Glu)

Gene: CTC1 (CST telomere replication complex component 1; minus strand). Cytogenetic location: 17p13.1.
Variant type: single nucleotide variant.
Coding change: c.450C>G on transcript NM_025099.6 (MANE Select); coding-DNA position 450, C replaced by G.
Protein change: p.Asp150Glu; replaces aspartic acid 150 with glutamic acid.
Molecular consequence: missense variant. On other transcripts: non-coding transcript variant (1).
Genome position (GRCh38, 1-based): chr17:8,238,228, G>C on the plus strand (C>G on the coding strand, the complement: CTC1 is on the minus strand). VCF-style: chr17-8238228-G-C. GRCh37 (hg19) VCF-style: chr17-8141546-G-C.
Other names: short protein forms D150E.
Identifiers: ClinVar variation 1379497 (VCV001379497.6), dbSNP rs2151530771, ClinGen allele CA397992912.

ClinVar aggregate classification (germline): Uncertain significance (1 of 4 stars; one submission).

Conditions:
Dyskeratosis congenita. Identifiers: Orphanet 1775, MedGen C0265965, MONDO:0015780.

Submission:

Labcorp Genetics (formerly Invitae), Labcorp
Classification: Uncertain significance for Dyskeratosis congenita. Last evaluated: 2021-09-04. Review status: criteria provided, single submitter. Criteria: Invitae Variant Classification Sherloc (09022015). Collection method: clinical testing. Allele origin: germline.
Comment: Algorithms developed to predict the effect of missense changes on protein structure and function are either unavailable or do not agree on the potential impact of this missense change (SIFT: "Deleterious"; PolyPhen-2: "Probably Damaging"; Align-GVGD: "Class C0"). In summary, the available evidence is currently insufficient to determine the role of this variant in disease. Therefore, it has been classified as a Variant of Uncertain Significance. This variant has not been reported in the literature in individuals affected with CTC1-related conditions. This variant is not present in population databases (ExAC no frequency). This sequence change replaces aspartic acid with glutamic acid at codon 150 of the CTC1 protein (p.Asp150Glu). The aspartic acid residue is highly conserved and there is a small physicochemical difference between aspartic acid and glutamic acid.